The following is an entry in ClinVar:

ClinVar aggregate classification (germline): Likely benign. Review status: criteria provided, single submitter (1 of 4 stars). 2 submissions from 2 submitters: Likely benign (1). 1 of the submissions does not count toward it. Last evaluated 2026-01-27.

Conditions:
SPG11-related disorder. Also called: SPG11-related condition.
Hereditary spastic paraplegia 11. Also called: Spastic Paraplegia 11; Spastic paraplegia, mental retardation and thin corpus callosum; SPASTIC PARAPLEGIA, AUTOSOMAL RECESSIVE, COMPLICATED, WITH THIN CORPUS CALLOSUM; SPASTIC PARAPLEGIA, AUTOSOMAL RECESSIVE, WITH MENTAL IMPAIRMENT AND THIN CORPUS CALLOSUM; Nakamura Osame syndrome; Autosomal recessive hereditary spastic paraplegia, mental impairment, and thin corpus callosum. Identifiers: Orphanet 2822, MedGen C1858479, MONDO:0011445, OMIM 604360.

Allele frequency attached by ClinVar (database versions not stated): TOPMed 0.00002; gnomAD 0.00003; gnomAD exomes 0.00004 and 0.00005; ExAC 0.00005; ESP Exome Variant Server 0.00008.
gnomAD v4.1: 75 of 1,614,060 alleles (0.0046%); highest among the groups gnomAD compares: Non-Finnish European, 0.0058%; no homozygotes.

Submissions (2):

Labcorp Genetics (formerly Invitae), Labcorp
Classification: Likely benign for Hereditary spastic paraplegia 11. Last evaluated: 2026-01-27. Review status: criteria provided, single submitter. Criteria: Invitae Variant Classification Sherloc (09022015). Collection method: clinical testing. Allele origin: germline.

PreventionGenetics, part of Exact Sciences
Classification: Likely benign for SPG11-related condition. Last evaluated: 2019-04-11. Review status: no assertion criteria provided. Collection method: clinical testing. Allele origin: germline. Not counted in ClinVar's aggregate classification.
Comment: This variant is classified as likely benign based on ACMG/AMP sequence variant interpretation guidelines (Richards et al. 2015 PMID: 25741868, with internal and published modifications).

NM_025137.4(SPG11):c.5613T>C (p.Asp1871=)

Gene: SPG11 (SPG11 vesicle trafficking associated, spatacsin; minus strand). Cytogenetic location: 15q21.1.
Variant type: single nucleotide variant.
Coding change: c.5613T>C on transcript NM_025137.4 (MANE Select); coding-DNA position 5613, T replaced by C.
Protein change: p.Asp1871=; no amino-acid change (aspartic acid 1871 retained).
Molecular consequence: synonymous variant.
Genome position (GRCh38, 1-based): chr15:44,584,067, A>G on the plus strand (T>C on the coding strand, the complement: SPG11 is on the minus strand). VCF-style: chr15-44584067-A-G. GRCh37 (hg19) VCF-style: chr15-44876265-A-G.
Other names: c.5613T>C, p.Asp1871= (NM_001160227.2).
Identifiers: ClinVar variation 698936 (VCV000698936.12), dbSNP rs146251582, ClinGen allele CA7534381.
Genomic context (GRCh38, chr15:44,584,067, plus strand): 5'-CACACAGCCATCATCCAGTAGGCGCCCAATCAAAAAGTTTAGTGACTCCTGCTCTTTCCA[A>G]TCCAATCTATTCTCGCATGTCTCTTTGGATGGAAGGCTGTTAAGTTCTAAGTATTTTGAT-3'
Protein context (NP_079413.3, residues 1861-1881): PSKETCENRL[Asp1871=]WKEQESLNFL